The following is an entry in ClinVar:

NM_001042492.3(NF1):c.4178T>G (p.Val1393Gly)

Gene: NF1 (neurofibromin 1; plus strand). Cytogenetic location: 17q11.2.
Variant type: single nucleotide variant.
Coding change: c.4178T>G on transcript NM_001042492.3 (MANE Select); coding-DNA position 4178, T replaced by G.
Protein change: p.Val1393Gly; replaces valine 1393 with glycine.
Molecular consequence: missense variant.
Genome position (GRCh38, 1-based): chr17:31,258,348, T>G. VCF-style: chr17-31258348-T-G. GRCh37 (hg19) VCF-style: chr17-29585366-T-G.
Other names: c.4115T>G, p.Val1372Gly (NM_000267.4); short protein forms V1372G, V1393G.
Identifiers: ClinVar variation 1479577 (VCV001479577.6), dbSNP rs769555730, ClinGen allele CA398997511.
Genomic context (GRCh38, chr17:31,258,348, plus strand): 5'-TCATGTCTTTATATTAATTCAAACCTTATACTCAATTCTCAACTCCTTGTTTTTAGGTGG[T>G]TAGCCAGCGTTTCCCTCAGAACAGCATCGGTGCAGTAGGAAGTGCCATGTTCCTCAGATT-3'
Protein context (NP_001035957.1, residues 1383-1403): KEKKENKKSV[Val1393Gly]SQRFPQNSIG

ClinVar aggregate classification (germline): Uncertain significance (1 of 4 stars; one submission).

Conditions:
Neurofibromatosis, type 1 (NF1). Also called: Neurofibromatosis, type I; VON RECKLINGHAUSEN DISEASE; NEUROFIBROMATOSIS, TYPE I, SOMATIC; Peripheral type neurofibromatosis. Identifiers: Orphanet 636, MedGen C0027831, MONDO:0018975, OMIM 162200. Disease mechanism: loss of function.

Submission:

Labcorp Genetics (formerly Invitae), Labcorp
Classification: Uncertain significance for Neurofibromatosis, type 1. Last evaluated: 2021-11-04. Review status: criteria provided, single submitter. Criteria: Invitae Variant Classification Sherloc (09022015). Collection method: clinical testing. Allele origin: germline.
Comment: In summary, the available evidence is currently insufficient to determine the role of this variant in disease. Therefore, it has been classified as a Variant of Uncertain Significance. Advanced modeling of protein sequence and biophysical properties (such as structural, functional, and spatial information, amino acid conservation, physicochemical variation, residue mobility, and thermodynamic stability) performed at Invitae indicates that this missense variant is expected to disrupt NF1 protein function. This variant has not been reported in the literature in individuals affected with NF1-related conditions. This variant is not present in population databases (gnomAD no frequency). This sequence change replaces valine, which is neutral and non-polar, with glycine, which is neutral and non-polar, at codon 1372 of the NF1 protein (p.Val1372Gly).